The following is an entry in ClinVar:

ClinVar aggregate classification (germline): Uncertain significance. Review status: criteria provided, multiple submitters, no conflicts (2 of 4 stars). 2 submissions from 2 submitters: Uncertain significance (2). Last evaluated 2024-03-07.

Submissions (2):

GeneDx
Classification: Uncertain significance. Last evaluated: 2024-03-07. Review status: criteria provided, single submitter. Criteria: GeneDx Variant Classification Process June 2021. Collection method: clinical testing. Allele origin: germline. Affected: yes.
Comment: Not observed at significant frequency in large population cohorts (gnomAD); In silico analysis supports that this missense variant has a deleterious effect on protein structure/function; Has not been previously published as pathogenic or benign to our knowledge

Blueprint Genetics
Classification: Uncertain significance. Last evaluated: 2023-10-25. Review status: criteria provided, single submitter. Criteria: ACMG Guidelines, 2015. Collection method: clinical testing. Allele origin: germline.

NM_139058.3(ARX):c.1658C>T (p.Pro553Leu)

Gene: ARX (aristaless related homeobox; minus strand). Cytogenetic location: Xp21.3.
Variant type: single nucleotide variant.
Coding change: c.1658C>T on transcript NM_139058.3 (MANE Select); coding-DNA position 1658, C replaced by T.
Protein change: p.Pro553Leu; replaces proline 553 with leucine.
Molecular consequence: missense variant.
Genome position (GRCh38, 1-based): chrX:25,004,701, G>A on the plus strand (C>T on the coding strand, the complement: ARX is on the minus strand). VCF-style: chrX-25004701-G-A. GRCh37 (hg19) VCF-style: chrX-25022818-G-A.
Other names: short protein forms P553L.
Identifiers: ClinVar variation 3370708 (VCV003370708.2).
Genomic context (GRCh38, chrX:25,004,701, plus strand): 5'-GCGCGGGGCGCGGGTGTGGAGGGCAGCCTTTAGCACACCTCCTTGCCCGTGCTGGTGCCC[G>A]GCAGGATGTTGAGCTGCGTGAGCTGCGCCGCGTGCTCCTTGGCCTTGAGCCTCAGCGCGG-3'
Protein context (NP_620689.1, residues 543-562): AAQLTQLNIL[Pro553Leu]GTSTGKEVC